The following is an entry in ClinVar:

ClinVar aggregate classification (germline): Benign/Likely benign. Review status: criteria provided, multiple submitters, no conflicts (2 of 4 stars). 3 submissions from 3 submitters: Benign (1); Likely benign (2). Last evaluated 2025-07-17.

Conditions:
Multiple endocrine neoplasia, type 2 (MEN2). Identifiers: Orphanet 653, MedGen C4048306, MONDO:0019003. Disease mechanism: gain of function.
Hereditary cancer-predisposing syndrome. Also called: Tumor predisposition; Neoplastic Syndromes, Hereditary; Hereditary Cancer Syndrome; Hereditary neoplastic syndrome. Identifiers: Orphanet 140162, MedGen C0027672, MeSH D009386, MONDO:0015356.
Multiple endocrine neoplasia type 2A. Also called: Multiple Endocrine Neoplasia Type 2A (MEN2A); MULTIPLE ENDOCRINE NEOPLASIA, TYPE IIA; PTC SYNDROME; SIPPLE SYNDROME; MEN 2A; MEN-2A syndrome. Identifiers: Orphanet 247698, Orphanet 653, MedGen C0025268, MeSH D018813, MONDO:0008234, OMIM 171400.

Allele frequency attached by ClinVar (database versions not stated): gnomAD 0.00001.

Submissions (3):

Labcorp Genetics (formerly Invitae), Labcorp
Classification: Likely benign for Multiple endocrine neoplasia, type 2. Last evaluated: 2025-07-17. Review status: criteria provided, single submitter. Criteria: Invitae Variant Classification Sherloc (09022015). Collection method: clinical testing. Allele origin: germline.

Myriad Genetics, Inc.
Classification: Benign for Multiple endocrine neoplasia type 2A. Last evaluated: 2025-02-27. Review status: criteria provided, single submitter. Criteria: Myriad Autosomal Dominant, Autosomal Recessive and X-Linked Classification Criteria (2023). Collection method: clinical testing. Allele origin: unknown.
Comment: This variant is considered benign. This variant is a silent/synonymous amino acid change and it is not expected to impact splicing.

Ambry Genetics
Classification: Likely benign for Hereditary cancer-predisposing syndrome. Last evaluated: 2022-08-04. Review status: criteria provided, single submitter. Criteria: Ambry Variant Classification Scheme 2023. Collection method: clinical testing. Allele origin: germline.

NM_020975.6(RET):c.2643G>A (p.Leu881=)

Gene: RET (ret proto-oncogene; plus strand). Cytogenetic location: 10q11.21.
Variant type: single nucleotide variant.
Coding change: c.2643G>A on transcript NM_020975.6 (MANE Select); coding-DNA position 2643, G replaced by A.
Protein change: p.Leu881=; no amino-acid change (leucine 881 retained).
Molecular consequence: synonymous variant.
Genome position (GRCh38, 1-based): chr10:43,120,116, G>A. VCF-style: chr10-43120116-G-A. GRCh37 (hg19) VCF-style: chr10-43615564-G-A.
Other names: c.2643G>A, p.Leu881= (NM_000323.2, NM_001406743.1, NM_001406744.1 and 4 more transcripts); c.1881G>A, p.Leu627= (NM_001355216.2); c.2514G>A, p.Leu838= (NM_001406761.1, NM_001406762.1, NM_001406764.1); c.2508G>A, p.Leu836= (NM_001406763.1, NM_001406765.1); c.2355G>A, p.Leu785= (NM_001406766.1, NM_001406767.1, NM_001406770.1); c.2379G>A, p.Leu793= (NM_001406768.1); c.2247G>A, p.Leu749= (NM_001406769.1, NM_001406772.1); c.2205G>A, p.Leu735= (NM_001406771.1, NM_001406773.1); and 10 more.
Identifiers: ClinVar variation 1161666 (VCV001161666.13), dbSNP rs1227304934, ClinGen allele CA376557128.